The following is an entry in ClinVar:

ClinVar aggregate classification (germline): Uncertain significance. Review status: criteria provided, multiple submitters, no conflicts (2 of 4 stars). 2 submissions from 2 submitters: Uncertain significance (2). Last evaluated 2024-09-14.

Conditions:
Inborn genetic diseases. Identifiers: MedGen C0950123, MeSH D030342.
Neuropathy, hereditary sensory, type 1F. Also called: Hereditary sensory neuropathy type IF; HSN IF. Identifiers: Orphanet 36386, MedGen C3810194, MONDO:0014286, OMIM 615632.

Allele frequency attached by ClinVar (database versions not stated): TOPMed 0.00001; gnomAD 0.00002; ExAC 0.00001; gnomAD exomes 0.00001.
gnomAD v4.1: 21 of 1,613,944 alleles (0.0013%); highest among the groups gnomAD compares: Non-Finnish European, 0.0016%; 1 homozygote.

Submissions (2):

Labcorp Genetics (formerly Invitae), Labcorp
Classification: Uncertain significance for Neuropathy, hereditary sensory, type 1F. Last evaluated: 2024-09-14. Review status: criteria provided, single submitter. Criteria: Invitae Variant Classification Sherloc (09022015). Collection method: clinical testing. Allele origin: germline.
Comment: This sequence change replaces serine, which is neutral and polar, with phenylalanine, which is neutral and non-polar, at codon 304 of the ATL3 protein (p.Ser304Phe). This variant is present in population databases (rs757344746, gnomAD 0.002%). This variant has not been reported in the literature in individuals affected with ATL3-related conditions. ClinVar contains an entry for this variant (Variation ID: 577298). An algorithm developed to predict the effect of missense changes on protein structure and function (PolyPhen-2) suggests that this variant is likely to be tolerated. In summary, the available evidence is currently insufficient to determine the role of this variant in disease. Therefore, it has been classified as a Variant of Uncertain Significance.

Ambry Genetics
Classification: Uncertain significance for Inborn genetic diseases. Last evaluated: 2020-10-13. Review status: criteria provided, single submitter. Criteria: Ambry Variant Classification Scheme 2023. Collection method: clinical testing. Allele origin: germline.
Comment: The p.S304F variant (also known as c.911C>T), located in coding exon 9 of the ATL3 gene, results from a C to T substitution at nucleotide position 911. The serine at codon 304 is replaced by phenylalanine, an amino acid with highly dissimilar properties. This amino acid position is poorly conserved in available vertebrate species. In addition, this alteration is predicted to be tolerated by in silico analysis. Since supporting evidence is limited at this time, the clinical significance of this alteration remains unclear.

NM_015459.5(ATL3):c.911C>T (p.Ser304Phe)

Genes: ATL3 (atlastin GTPase 3; minus strand), LNCROPM (lncRNA regulator of PLAAT3 mediated phospholipid metabolism; plus strand). Cytogenetic location: 11q13.1.
Variant type: single nucleotide variant.
Coding change: c.911C>T on transcript NM_015459.5 (MANE Select); coding-DNA position 911, C replaced by T.
Protein change: p.Ser304Phe; replaces serine 304 with phenylalanine.
Molecular consequence: missense variant.
Genome position (GRCh38, 1-based): chr11:63,636,274, G>A on the plus strand (C>T on the coding strand, the complement: ATL3 is on the minus strand). VCF-style: chr11-63636274-G-A. GRCh37 (hg19) VCF-style: chr11-63403746-G-A.
Other names: c.857C>T, p.Ser286Phe (NM_001290048.2); short protein forms S286F, S304F.
Identifiers: ClinVar variation 577298 (VCV000577298.12), dbSNP rs757344746, ClinGen allele CA6063654.